The following is an entry in ClinVar:

NM_001267550.2(TTN):c.11311+4594C>T

Gene: TTN (titin; minus strand). Cytogenetic location: 2q31.2.
Variant type: single nucleotide variant.
Coding change: c.11311+4594C>T on transcript NM_001267550.2 (MANE Select); 4594 bases into the intron after coding-DNA position 11311, C replaced by T.
Molecular consequence: intron variant. On other transcripts: missense variant (1).
Genome position (GRCh38, 1-based): chr2:178,748,530, G>A on the plus strand (C>T on the coding strand, the complement: TTN is on the minus strand). VCF-style: chr2-178748530-G-A. GRCh37 (hg19) VCF-style: chr2-179613257-G-A.
Other names: c.13870C>T, p.His4624Tyr (NM_133379.5); c.10222+4594C>T (NM_003319.4); c.10798+4594C>T (NM_133437.4); c.10597+4594C>T (NM_133432.3); c.10360+4594C>T (NM_133378.4, NM_001256850.1); short protein forms H4624Y.
Identifiers: ClinVar variation 2634150 (VCV002634150.3), dbSNP rs755860284, ClinGen allele CA2003334.

ClinVar aggregate classification (germline): Conflicting classifications of pathogenicity. Review status: criteria provided, conflicting classifications (1 of 4 stars). 2 submissions from 2 submitters: Uncertain significance (1); Likely benign (1). Last evaluated 2025-09-09.

Conditions:
TTN-related disorder. Also called: TTN-related disorders; TTN-related condition; TTN-related disease.

Allele frequency attached by ClinVar (database versions not stated): ExAC 0.00001; TOPMed 0.00002; gnomAD exomes 0.00003; gnomAD 0.00004.
gnomAD v4.1: 48 of 1,612,976 alleles (0.003%); highest among the groups gnomAD compares: Middle Eastern, 0.017%; no homozygotes.

Submissions (2):

PreventionGenetics, part of Exact Sciences
Classification: Uncertain significance for TTN-related condition. Last evaluated: 2025-09-09. Review status: criteria provided, single submitter. Criteria: ACMG Guidelines, 2015. Collection method: clinical testing. Allele origin: germline.
Comment: The TTN c.13870C>T variant is predicted to result in the amino acid substitution p.His4624Tyr. Of note, this variant is also referred to as c.13870C>T (p.His4624Tyr), located in exon 46 of the alternative Novex-3 transcript NM_133379 (minor small cardiac isoform). This exon is not included in any other TTN transcripts (principle cardiac or skeletal muscle isoforms). To our knowledge, this variant has not been reported in the literature. This variant is reported in 0.0055% of alleles in individuals of European (Non-Finnish) descent in gnomAD. At this time, the clinical significance of this variant is uncertain due to the absence of conclusive functional and genetic evidence.

Blueprint Genetics
Classification: Likely benign. Last evaluated: 2024-10-02. Review status: criteria provided, single submitter. Criteria: ACMG Guidelines, 2015. Collection method: clinical testing. Allele origin: germline.